The following is an entry in ClinVar:

NM_001009944.3(PKD1):c.2470C>T (p.Leu824=)

Gene: PKD1 (polycystin 1, transient receptor potential channel interacting; minus strand). Cytogenetic location: 16p13.3.
Variant type: single nucleotide variant.
Coding change: c.2470C>T on transcript NM_001009944.3 (MANE Select); coding-DNA position 2470, C replaced by T.
Protein change: p.Leu824=; no amino-acid change (leucine 824 retained).
Molecular consequence: synonymous variant.
Genome position (GRCh38, 1-based): chr16:2,114,553, G>A on the plus strand (C>T on the coding strand, the complement: PKD1 is on the minus strand). VCF-style: chr16-2114553-G-A. GRCh37 (hg19) VCF-style: chr16-2164554-G-A.
Other names: c.2470C>T, p.Leu824= (NM_000296.4).
Identifiers: ClinVar variation 3058739 (VCV003058739.2), dbSNP rs2092597354, ClinGen allele CA493049909.

ClinVar aggregate classification (germline): Likely benign (0 of 4 stars; one submission).

Conditions:
PKD1-related disorder. Also called: PKD1-related condition.

Allele frequency attached by ClinVar (database versions not stated): gnomAD 0.00001; TOPMed 0.00001.

Submission:

PreventionGenetics, part of Exact Sciences
Classification: Likely benign for PKD1-related condition. Last evaluated: 2022-07-01. Review status: no assertion criteria provided. Collection method: clinical testing. Allele origin: germline.
Comment: This variant is classified as likely benign based on ACMG/AMP sequence variant interpretation guidelines (Richards et al. 2015 PMID: 25741868, with internal and published modifications).